The following is an entry in ClinVar:

ClinVar aggregate classification (germline): Uncertain significance. Review status: criteria provided, multiple submitters, no conflicts (2 of 4 stars). 3 submissions from 3 submitters: Uncertain significance (3). Last evaluated 2023-10-08.

Conditions:
Hereditary cancer-predisposing syndrome. Also called: Neoplastic Syndromes, Hereditary; Tumor predisposition; Hereditary Cancer Syndrome; Hereditary neoplastic syndrome. Identifiers: Orphanet 140162, MedGen C0027672, MeSH D009386, MONDO:0015356.
Familial cancer of breast. Also called: BREAST CANCER, FAMILIAL; hereditary breast carcinoma; Hereditary breast cancer. Identifiers: Orphanet 227535, MedGen C0346153, MONDO:0016419, OMIM 114480. Disease mechanism: loss of function.

Allele frequency attached by ClinVar (database versions not stated): gnomAD 0.00001.
gnomAD v4.1: 1 of 1,614,064 alleles (0.000062%); highest among the groups gnomAD compares: African/African-American, 0.0013%; no homozygotes.

Submissions (3):

Labcorp Genetics (formerly Invitae), Labcorp
Classification: Uncertain significance for Familial cancer of breast. Last evaluated: 2023-10-08. Review status: criteria provided, single submitter. Criteria: Invitae Variant Classification Sherloc (09022015). Collection method: clinical testing. Allele origin: germline.
Comment: This sequence change replaces valine, which is neutral and non-polar, with phenylalanine, which is neutral and non-polar, at codon 805 of the PALB2 protein (p.Val805Phe). This variant is present in population databases (no rsID available, gnomAD 0.01%). This variant has not been reported in the literature in individuals affected with PALB2-related conditions. ClinVar contains an entry for this variant (Variation ID: 231985). Advanced modeling of protein sequence and biophysical properties (such as structural, functional, and spatial information, amino acid conservation, physicochemical variation, residue mobility, and thermodynamic stability) performed at Invitae indicates that this missense variant is not expected to disrupt PALB2 protein function. In summary, the available evidence is currently insufficient to determine the role of this variant in disease. Therefore, it has been classified as a Variant of Uncertain Significance.

Ambry Genetics
Classification: Uncertain significance for Hereditary cancer-predisposing syndrome. Last evaluated: 2023-08-10. Review status: criteria provided, single submitter. Criteria: Ambry Variant Classification Scheme 2023. Collection method: clinical testing. Allele origin: germline.
Comment: The p.V805F variant (also known as c.2413G>T), located in coding exon 5 of the PALB2 gene, results from a G to T substitution at nucleotide position 2413. The valine at codon 805 is replaced by phenylalanine, an amino acid with highly similar properties. This amino acid position is poorly conserved in available vertebrate species. In addition, this alteration is predicted to be tolerated by in silico analysis. Since supporting evidence is limited at this time, the clinical significance of this alteration remains unclear.

GeneDx
Classification: Uncertain significance. Last evaluated: 2023-03-13. Review status: criteria provided, single submitter. Criteria: GeneDx Variant Classification Process June 2021. Collection method: clinical testing. Allele origin: germline. Affected: yes.
Comment: Not observed at significant frequency in large population cohorts (gnomAD); In silico analysis supports that this missense variant does not alter protein structure/function; Has not been previously published as pathogenic or benign to our knowledge; This variant is associated with the following publications: (PMID: 24485656)

NM_024675.4(PALB2):c.2413G>T (p.Val805Phe)

Gene: PALB2 (partner and localizer of BRCA2; minus strand). Cytogenetic location: 16p12.2.
Variant type: single nucleotide variant.
Coding change: c.2413G>T on transcript NM_024675.4 (MANE Select); coding-DNA position 2413, G replaced by T.
Protein change: p.Val805Phe; replaces valine 805 with phenylalanine.
Molecular consequence: missense variant.
Genome position (GRCh38, 1-based): chr16:23,629,741, C>A on the plus strand (G>T on the coding strand, the complement: PALB2 is on the minus strand). VCF-style: chr16-23629741-C-A. GRCh37 (hg19) VCF-style: chr16-23641062-C-A.
Other names: short protein forms V805F.
Identifiers: ClinVar variation 231985 (VCV000231985.15), dbSNP rs876659475, ClinGen allele CA10579972.